The following is an entry in ClinVar:

NM_001387283.1(SMARCA4):c.4245G>C (p.Gln1415His)

Gene: SMARCA4 (SWI/SNF related BAF chromatin remodeling complex subunit ATPase 4; plus strand). Cytogenetic location: 19p13.2.
Variant type: single nucleotide variant.
Coding change: c.4245G>C on transcript NM_001387283.1 (MANE Plus Clinical); coding-DNA position 4245, G replaced by C.
Protein change: p.Gln1415His; replaces glutamine 1415 with histidine.
Molecular consequence: missense variant. On other transcripts: intron variant (7).
Genome position (GRCh38, 1-based): chr19:11,039,532, G>C. VCF-style: chr19-11039532-G-C. GRCh37 (hg19) VCF-style: chr19-11150208-G-C.
Other names: c.4245G>C, p.Gln1415His (NM_001128849.3); c.4171-1775G>C (NM_001128844.3, NM_003072.5); c.4072-1775G>C (NM_001128847.4, NM_001374457.1, NM_001128848.2); c.4072-1766G>C (NM_001128845.2, NM_001128846.2); short protein forms Q1415H.
Identifiers: ClinVar variation 1494350 (VCV001494350.9), dbSNP rs1600446366, ClinGen allele CA404071730.

ClinVar aggregate classification (germline): Conflicting classifications of pathogenicity. Review status: criteria provided, conflicting classifications (1 of 4 stars). 3 submissions from 3 submitters: Uncertain significance (2); Likely benign (1). Last evaluated 2025-07-27.

Conditions:
Hereditary cancer-predisposing syndrome. Also called: Tumor predisposition; Hereditary neoplastic syndrome; Neoplastic Syndromes, Hereditary; Hereditary Cancer Syndrome. Identifiers: Orphanet 140162, MedGen C0027672, MeSH D009386, MONDO:0015356.
Rhabdoid tumor predisposition syndrome 2 (RTPS2). Identifiers: Orphanet 231108, Orphanet 69077, MedGen C2750074, MONDO:0013224, OMIM 613325.

Allele frequency attached by ClinVar (database versions not stated): gnomAD exomes below 0.00001.
gnomAD v4.1: 1 of 1,602,774 alleles (0.000062%); highest among the groups gnomAD compares: Non-Finnish European, 0.000085%; no homozygotes.

Submissions (3):

Labcorp Genetics (formerly Invitae), Labcorp
Classification: Uncertain significance for Rhabdoid tumor predisposition syndrome 2. Last evaluated: 2025-07-27. Review status: criteria provided, single submitter. Criteria: Invitae Variant Classification Sherloc (09022015). Collection method: clinical testing. Allele origin: germline.
Comment: This sequence change replaces glutamine, which is neutral and polar, with histidine, which is basic and polar, at codon 1415 of the SMARCA4 protein (p.Gln1415His). This variant is not present in population databases (gnomAD no frequency). This variant has not been reported in the literature in individuals affected with SMARCA4-related conditions. ClinVar contains an entry for this variant (Variation ID: 1494350). An algorithm developed to predict the effect of missense changes on protein structure and function (PolyPhen-2) suggests that this variant is likely to be tolerated. In summary, the available evidence is currently insufficient to determine the role of this variant in disease. Therefore, it has been classified as a Variant of Uncertain Significance.

Ambry Genetics
Classification: Likely benign for Hereditary cancer-predisposing syndrome. Last evaluated: 2023-10-26. Review status: criteria provided, single submitter. Criteria: Ambry Variant Classification Scheme 2023. Collection method: clinical testing. Allele origin: germline.

Sema4
Classification: Uncertain significance for Hereditary cancer-predisposing syndrome. Last evaluated: 2022-02-08. Review status: criteria provided, single submitter. Criteria: Sema4 Curation Guidelines. Collection method: curation. Allele origin: germline.
Comment: The SMARCA4 c.4245G>C (p.Q1415H) variant has not been reported in the literature to our knowledge. It was not observed in the large and broad cohorts of the Genome Aggregation Database (PMID: 32461654). This variant has not been reported in ClinVar. Functional studies have not been performed, and in silico predictions of the variant's effect on protein function are inconclusive. The evidence is insufficient to meet ACMG/AMP criteria for classifying the variant as benign or pathogenic. Thus, the clinical significance of this variant is currently uncertain.